The following is an entry in ClinVar:

NM_016284.5(CNOT1):c.6637C>T (p.Gln2213Ter)

Gene: CNOT1 (CCR4-NOT transcription complex subunit 1; minus strand). Cytogenetic location: 16q21.
Variant type: single nucleotide variant.
Coding change: c.6637C>T on transcript NM_016284.5 (MANE Select); coding-DNA position 6637, C replaced by T.
Protein change: p.Gln2213Ter; replaces glutamine 2213 with a stop codon.
Molecular consequence: nonsense. On other transcripts: non-coding transcript variant (1).
Genome position (GRCh38, 1-based): chr16:58,525,326, G>A on the plus strand (C>T on the coding strand, the complement: CNOT1 is on the minus strand). VCF-style: chr16-58525326-G-A. GRCh37 (hg19) VCF-style: chr16-58559230-G-A.
Other names: c.6622C>T, p.Gln2208Ter (NM_001265612.2); short protein forms Q2208*, Q2213*.
Identifiers: ClinVar variation 3345300 (VCV003345300.1).
Genomic context (GRCh38, chr16:58,525,326, plus strand): 5'-TGTTGTGGATGTGCGCAATGGCCTGAGTCCCGACATAGAGCACCAGTGCATTGATGAGCT[G>A]GAGGTTGTAGCGATTCCCAGGTTCATTGGATACCTTAAAATGAGCAAAACAGAACTCCTT-3'

ClinVar aggregate classification (germline): Likely pathogenic (0 of 4 stars; one submission).

Conditions:
CNOT1-related disorder. Also called: CNOT1-related condition.

Submission:

PreventionGenetics, part of Exact Sciences
Classification: Likely pathogenic for CNOT1-related condition. Last evaluated: 2024-08-19. Review status: no assertion criteria provided. Collection method: clinical testing. Allele origin: germline.
Comment: The CNOT1 c.6637C>T variant is predicted to result in premature protein termination (p.Gln2213*). To our knowledge, this variant has not been reported in the literature or in a large population database, indicating this variant is rare. Nonsense variants in CNOT1 are expected to be pathogenic. This variant is interpreted as likely pathogenic.